The following is an entry in ClinVar:

NM_016239.4(MYO15A):c.3133A>C (p.Thr1045Pro)

Gene: MYO15A (myosin XVA; plus strand). Cytogenetic location: 17p11.2.
Variant type: single nucleotide variant.
Coding change: c.3133A>C on transcript NM_016239.4 (MANE Select); coding-DNA position 3133, A replaced by C.
Protein change: p.Thr1045Pro; replaces threonine 1045 with proline.
Molecular consequence: missense variant.
Genome position (GRCh38, 1-based): chr17:18,121,933, A>C. VCF-style: chr17-18121933-A-C. GRCh37 (hg19) VCF-style: chr17-18025247-A-C.
Other names: short protein forms T1045P.
Identifiers: ClinVar variation 889698 (VCV000889698.20), dbSNP rs201826872, ClinGen allele CA8423387.

ClinVar aggregate classification (germline): Conflicting classifications of pathogenicity. Review status: criteria provided, conflicting classifications (1 of 4 stars). 6 submissions from 6 submitters: Uncertain significance (4); Likely benign (2). Last evaluated 2025-12-08.

Conditions:
Autosomal recessive nonsyndromic hearing loss 3. Also called: NEUROSENSORY NONSYNDROMIC RECESSIVE DEAFNESS 3. Identifiers: Orphanet 90636, MedGen C1838263, MONDO:0010860, OMIM 600316.

Allele frequency attached by ClinVar (database versions not stated): gnomAD exomes 0.00076 and 0.00048; gnomAD 0.00046 and 0.00045; ExAC 0.00057; TOPMed 0.00036; ESP Exome Variant Server 0.00081.
gnomAD v4.1: 1,195 of 1,611,734 alleles (0.074%); highest among the groups gnomAD compares: Non-Finnish European, 0.089%; 2 homozygotes.

Submissions (6):

Labcorp Genetics (formerly Invitae), Labcorp
Classification: Likely benign. Last evaluated: 2025-12-08. Review status: criteria provided, single submitter. Criteria: Invitae Variant Classification Sherloc (09022015). Collection method: clinical testing. Allele origin: germline.

Blueprint Genetics
Classification: Uncertain significance. Last evaluated: 2024-11-20. Review status: criteria provided, single submitter. Criteria: ACMG Guidelines, 2015. Collection method: clinical testing. Allele origin: germline.

Department of Pathology and Laboratory Medicine, Sinai Health System
Classification: Uncertain significance for Autosomal recessive nonsyndromic hearing loss 3. Last evaluated: 2022-11-01. Review status: criteria provided, single submitter. Criteria: ACMG Guidelines, 2015. Collection method: research. Allele origin: germline.

GeneDx
Classification: Uncertain significance. Last evaluated: 2022-03-08. Review status: criteria provided, single submitter. Criteria: GeneDx Variant Classification Process June 2021. Collection method: clinical testing. Allele origin: germline. Affected: yes.
Comment: In silico analysis supports that this missense variant does not alter protein structure/function; Has not been previously published as pathogenic or benign to our knowledge

Laboratory for Molecular Medicine, Mass General Brigham Personalized Medicine
Classification: Likely benign. Last evaluated: 2019-05-22. Review status: criteria provided, single submitter. Criteria: LMM Criteria. Collection method: clinical testing. Allele origin: germline. Observed: 1 variant allele.
Comment: The p.Thr1045Pro variant in MYO15A is classified as likely benign because it has been identified in 0.08% (107/128144) of European chromosomes by gnomAD, and computational prediction tools predict that this variant does not impact the protein. ACMG/AMP Criteria applied: BS1_Supporting, BP4.

Illumina Laboratory Services, Illumina
Classification: Uncertain significance for Autosomal recessive nonsyndromic hearing loss 3. Last evaluated: 2018-01-12. Review status: criteria provided, single submitter. Criteria: ICSL Variant Classification Criteria 13 December 2019. Collection method: clinical testing. Allele origin: germline.